The following is an entry in ClinVar:

ClinVar aggregate classification (germline): Uncertain significance (1 of 4 stars; one submission).

gnomAD v4.1: 5 of 1,563,710 alleles (0.00032%); highest among the groups gnomAD compares: East Asian, 0.0023%; no homozygotes.

Submission:

Women's Health and Genetics/Laboratory Corporation of America, LabCorp
Classification: Uncertain significance. Last evaluated: 2025-06-09. Review status: criteria provided, single submitter. Criteria: LabCorp Variant Classification Summary - May 2015. Collection method: clinical testing. Allele origin: germline.
Comment: Variant summary: TERT c.1141C>T (p.Arg381Cys) results in a non-conservative amino acid change in the encoded protein sequence. Algorithms developed to predict the effect of missense changes on protein structure and function all suggest that this variant is likely to be disruptive. The frequency data for this variant in gnomAD is considered unreliable, as metrics indicate poor data quality at this position. c.1141C>T has been observed in a heterozygous individual affected with Dyskeratosis congenita or a related disorder (e.g. Collopy_2015). These report(s) do not provide unequivocal conclusions about association of the variant with Dyskeratosis congenita. To our knowledge, no experimental evidence demonstrating an impact on protein function has been reported. The following publication has been ascertained in the context of this evaluation (PMID: 26024875). No submitters have cited clinical-significance assessments for this variant to ClinVar. Based on the evidence outlined above, the variant was classified as uncertain significance.

Literature cited by the submitters: PubMed 26024875.

NM_198253.3(TERT):c.1141C>T (p.Arg381Cys)

Gene: TERT (telomerase reverse transcriptase; minus strand). Cytogenetic location: 5p15.33.
Variant type: single nucleotide variant.
Coding change: c.1141C>T on transcript NM_198253.3 (MANE Select); coding-DNA position 1141, C replaced by T.
Protein change: p.Arg381Cys; replaces arginine 381 with cysteine.
Molecular consequence: missense variant. On other transcripts: non-coding transcript variant (2).
Genome position (GRCh38, 1-based): chr5:1,293,745, G>A on the plus strand (C>T on the coding strand, the complement: TERT is on the minus strand). VCF-style: chr5-1293745-G-A. GRCh37 (hg19) VCF-style: chr5-1293860-G-A.
Other names: c.1141C>T, p.Arg381Cys (NM_001193376.3); short protein forms R381C.
Identifiers: ClinVar variation 3907281 (VCV003907281.1).